The following is an entry in ClinVar:

ClinVar aggregate classification (germline): Uncertain significance (1 of 4 stars; one submission).

Allele frequency attached by ClinVar (database versions not stated): ExAC 0.00002; gnomAD exomes 0.00002; TOPMed 0.00002; gnomAD 0.00004.
gnomAD v4.1: 42 of 1,609,290 alleles (0.0026%); highest among the groups gnomAD compares: Non-Finnish European, 0.0034%; no homozygotes.

Submission:

Labcorp Genetics (formerly Invitae), Labcorp
Classification: Uncertain significance. Last evaluated: 2022-03-12. Review status: criteria provided, single submitter. Criteria: Invitae Variant Classification Sherloc (09022015). Collection method: clinical testing. Allele origin: germline.
Comment: This sequence change affects codon 121 of the ADAMTSL4 mRNA. It is a 'silent' change, meaning that it does not change the encoded amino acid sequence of the ADAMTSL4 protein. This variant is present in population databases (rs750845709, gnomAD 0.004%). This variant has not been reported in the literature in individuals affected with ADAMTSL4-related conditions. Algorithms developed to predict the effect of sequence changes on RNA splicing suggest that this variant may create or strengthen a splice site. In summary, the available evidence is currently insufficient to determine the role of this variant in disease. Therefore, it has been classified as a Variant of Uncertain Significance.

NM_019032.6(ADAMTSL4):c.363G>A (p.Arg121=)

Genes: ADAMTSL4 (ADAMTS like 4; plus strand), ADAMTSL4-AS2 (ADAMTSL4 antisense RNA 2; minus strand). Cytogenetic location: 1q21.2.
Variant type: single nucleotide variant.
Coding change: c.363G>A on transcript NM_019032.6 (MANE Select); coding-DNA position 363, G replaced by A.
Protein change: p.Arg121=; no amino-acid change (arginine 121 retained).
Molecular consequence: synonymous variant.
Genome position (GRCh38, 1-based): chr1:150,553,182, G>A. VCF-style: chr1-150553182-G-A. GRCh37 (hg19) VCF-style: chr1-150525658-G-A.
Other names: c.363G>A, p.Arg121= (NM_001288607.2, NM_001288608.2, NM_001378596.1 and 1 more transcripts).
Identifiers: ClinVar variation 1955344 (VCV001955344.2), dbSNP rs750845709, ClinGen allele CA1077933.